The following is an entry in ClinVar:

ClinVar aggregate classification (germline): Likely pathogenic. Review status: criteria provided, multiple submitters, no conflicts (2 of 4 stars). 2 submissions from 2 submitters: Likely pathogenic (2). Last evaluated 2024-03-13.

Conditions:
Glycogen storage disease, type V (GSD5). Also called: MCARDLE DISEASE; MUSCLE GLYCOGEN PHOSPHORYLASE DEFICIENCY; MYOPHOSPHORYLASE DEFICIENCY; PYGM DEFICIENCY; McArdle type glycogen storage disease. Identifiers: Orphanet 368, MedGen C0017924, MONDO:0009293, OMIM 232600.

gnomAD v4.1: 2 of 1,613,860 alleles (0.00012%); highest among the groups gnomAD compares: South Asian, 0.0022%; no homozygotes.

Submissions (2):

Baylor Genetics
Classification: Likely pathogenic for Glycogen storage disease, type V. Last evaluated: 2024-03-13. Review status: criteria provided, single submitter. Criteria: ACMG Guidelines, 2015. Collection method: clinical testing. Allele origin: unknown.

Labcorp Genetics (formerly Invitae), Labcorp
Classification: Likely pathogenic for Glycogen storage disease, type V. Last evaluated: 2023-08-10. Review status: criteria provided, single submitter. Criteria: Invitae Variant Classification Sherloc (09022015). Collection method: clinical testing. Allele origin: germline.
Comment: This variant is not present in population databases (gnomAD no frequency). In summary, the currently available evidence indicates that the variant is pathogenic, but additional data are needed to prove that conclusively. Therefore, this variant has been classified as Likely Pathogenic. Algorithms developed to predict the effect of sequence changes on RNA splicing suggest that this variant may disrupt the consensus splice site. This variant has not been reported in the literature in individuals affected with PYGM-related conditions. This sequence change affects a donor splice site in intron 3 of the PYGM gene. It is expected to disrupt RNA splicing. Variants that disrupt the donor or acceptor splice site typically lead to a loss of protein function (PMID: 16199547), and loss-of-function variants in PYGM are known to be pathogenic (PMID: 8316268, 16786513).

Literature cited by the submitters: PubMed 16199547 (cited by Labcorp Genetics (formerly Invitae), Labcorp); PubMed 8316268 (cited by Labcorp Genetics (formerly Invitae), Labcorp); PubMed 16786513 (cited by Labcorp Genetics (formerly Invitae), Labcorp).

NM_005609.4(PYGM):c.424+1G>T

Gene: PYGM (glycogen phosphorylase, muscle associated; minus strand). Cytogenetic location: 11q13.1.
Variant type: single nucleotide variant.
Coding change: c.424+1G>T on transcript NM_005609.4 (MANE Select); the canonical splice donor site of the intron after coding-DNA position 424, G replaced by T.
Molecular consequence: splice donor variant. On other transcripts: intron variant (1).
Genome position (GRCh38, 1-based): chr11:64,758,436, C>A on the plus strand (G>T on the coding strand, the complement: PYGM is on the minus strand). VCF-style: chr11-64758436-C-A. GRCh37 (hg19) VCF-style: chr11-64525908-C-A.
Other names: c.244-170G>T (NM_001164716.1).
Identifiers: ClinVar variation 2721305 (VCV002721305.4), dbSNP rs2496670715, ClinGen allele CA381109514.
Genomic context (GRCh38, chr11:64,758,436, plus strand): 5'-CAGGGACCCAGCAAGGAGGACCCCATCGGCCCACTCCACCCTCACGGCCCTGTCTTCTTA[C>A]CTGCCAGCCGGCCCAGGCCCCCGTTGCCCAGCCCCGCATCCTCCTCAATTTCCTCCAGCT-3'